The following is an entry in ClinVar:

NM_004463.3(FGD1):c.2244A>T (p.Lys748Asn)

Gene: FGD1 (FYVE, RhoGEF and PH domain containing 1; minus strand). Cytogenetic location: Xp11.22.
Variant type: single nucleotide variant.
Coding change: c.2244A>T on transcript NM_004463.3 (MANE Select); coding-DNA position 2244, A replaced by T.
Protein change: p.Lys748Asn; replaces lysine 748 with asparagine.
Molecular consequence: missense variant.
Genome position (GRCh38, 1-based): chrX:54,449,173, T>A on the plus strand (A>T on the coding strand, the complement: FGD1 is on the minus strand). VCF-style: chrX-54449173-T-A. GRCh37 (hg19) VCF-style: chrX-54475606-T-A.
Other names: short protein forms K748N.
Identifiers: ClinVar variation 2014420 (VCV002014420.4), dbSNP rs2522692103, ClinGen allele CA413359154.
Genomic context (GRCh38, chrX:54,449,173, plus strand): 5'-CTAGCTCTGCCCCTGCCTCCCAACACTCACATGCCCGCAGGCCTTGCAGTGGTGCCTGCG[T>A]TTGGTGATAGAATTGAAGGGCTCCTGGCAGCGCATGCACATGGTGACTTCCTTTTCCCGG-3'
Protein context (NP_004454.2, residues 738-758): RCQEPFNSIT[Lys748Asn]RRHHCKACGH

ClinVar aggregate classification (germline): Uncertain significance (1 of 4 stars; one submission).

Submission:

Labcorp Genetics (formerly Invitae), Labcorp
Classification: Uncertain significance. Last evaluated: 2022-07-06. Review status: criteria provided, single submitter. Criteria: Invitae Variant Classification Sherloc (09022015). Collection method: clinical testing. Allele origin: germline.
Comment: In summary, the available evidence is currently insufficient to determine the role of this variant in disease. Therefore, it has been classified as a Variant of Uncertain Significance. Algorithms developed to predict the effect of missense changes on protein structure and function (SIFT, PolyPhen-2, Align-GVGD) all suggest that this variant is likely to be disruptive. This variant has not been reported in the literature in individuals affected with FGD1-related conditions. This variant is not present in population databases (gnomAD no frequency). This sequence change replaces lysine, which is basic and polar, with asparagine, which is neutral and polar, at codon 748 of the FGD1 protein (p.Lys748Asn).